The following is an entry in ClinVar:

NM_022041.4(GAN):c.1502+1G>T

Gene: GAN (gigaxonin; plus strand). Cytogenetic location: 16q23.2.
Variant type: single nucleotide variant.
Coding change: c.1502+1G>T on transcript NM_022041.4 (MANE Select); the canonical splice donor site of the intron after coding-DNA position 1502, G replaced by T.
Molecular consequence: splice donor variant.
Genome position (GRCh38, 1-based): chr16:81,365,479, G>T. VCF-style: chr16-81365479-G-T. GRCh37 (hg19) VCF-style: chr16-81399084-G-T.
Other names: c.863+1G>T (NM_001377486.1).
Identifiers: ClinVar variation 465389 (VCV000465389.5), dbSNP rs1555511978, ClinGen allele CA396891532.

ClinVar aggregate classification (germline): Pathogenic/Likely pathogenic. Review status: criteria provided, multiple submitters, no conflicts (2 of 4 stars). 5 submissions from 5 submitters: Pathogenic (1); Likely pathogenic (1). 3 of the submissions do not count toward it. Last evaluated 2021-12-20.

Conditions:
Giant axonal neuropathy 1 (GAN1). Also called: GIANT AXONAL NEUROPATHY 1, AUTOSOMAL RECESSIVE; GAN-Related Neurodegeneration. Identifiers: Orphanet 643, MedGen C1850386, MONDO:0009749, OMIM 256850.

Submissions (5):

Centre of Medical Genetics, University Hospital Muenster
Classification: Likely pathogenic. Last evaluated: 2021-12-20. Review status: criteria provided, single submitter. Criteria: ACMG Guidelines, 2015. Collection method: clinical testing. Allele origin: unknown. Affected: yes. Observed: 1 variant allele, 1 homozygote.
Comment: ACMG categories: PVS1,PM2

Labcorp Genetics (formerly Invitae), Labcorp
Classification: Pathogenic for Giant axonal neuropathy 1. Last evaluated: 2017-03-02. Review status: criteria provided, single submitter. Criteria: Invitae Variant Classification Sherloc (09022015). Collection method: clinical testing. Allele origin: germline.
Comment: This sequence change affects a donor splice site in intron 9 of the GAN gene. It is expected to disrupt RNA splicing and likely results in an absent or disrupted protein product. Loss-of-function variants in GAN are known to be pathogenicÂ¬â€ (PMID: 11062483). This variant has been reported in the homozygous state in individuals with giant axonal neuropathy (GAN) (PMID: 15897506). Experimental studies have shown that this sequence change results in abnormal sub-cellular aggregates in cells derived from patients carrying this variant (PMID: 12668605). For these reasons, this variant has been classified as Pathogenic.

Inherited Neuropathy Consortium Ii, University Of Miami
Classification: Uncertain significance for Giant axonal neuropathy 1. Last evaluated: 2019-05-22. Review status: no assertion criteria provided. Collection method: literature only. Allele origin: germline. Affected: yes. Not counted in ClinVar's aggregate classification.

Institute of Human Genetics, Cologne University
Classification: Pathogenic for Giant axonal neuropathy 1. Last evaluated: 2018-04-25. Review status: no assertion criteria provided. Collection method: clinical testing. Allele origin: germline. Affected: yes. Not counted in ClinVar's aggregate classification.

Inherited Neuropathy Consortium
Classification: Uncertain significance for Giant axonal neuropathy. Review status: no assertion criteria provided. Collection method: literature only. Allele origin: germline. Affected: yes. Not counted in ClinVar's aggregate classification.

Literature cited by the submitters: PubMed 15897506 (cited by Inherited Neuropathy Consortium Ii, University Of Miami and Inherited Neuropathy Consortium).